The following is an entry in ClinVar:

NM_001164508.2(NEB):c.3879C>T (p.Asp1293=)

Gene: NEB (nebulin; minus strand). Cytogenetic location: 2q23.3.
Variant type: single nucleotide variant.
Coding change: c.3879C>T on transcript NM_001164508.2 (MANE Select); coding-DNA position 3879, C replaced by T.
Protein change: p.Asp1293=; no amino-acid change (aspartic acid 1293 retained).
Molecular consequence: synonymous variant.
Genome position (GRCh38, 1-based): chr2:151,675,287, G>A on the plus strand (C>T on the coding strand, the complement: NEB is on the minus strand). VCF-style: chr2-151675287-G-A. GRCh37 (hg19) VCF-style: chr2-152531801-G-A.
Other names: c.3879C>T, p.Asp1293= (NM_001164507.2, NM_001271208.2, NM_004543.5).
Identifiers: ClinVar variation 2139020 (VCV002139020.1), dbSNP rs371175998, ClinGen allele CA1910809.

ClinVar aggregate classification (germline): Uncertain significance (1 of 4 stars; one submission).

Conditions:
Nemaline myopathy 2 (NEM2). Also called: Nemaline myopathy 2, autosomal recessive. Identifiers: MedGen C1850569, MONDO:0009725, OMIM 256030.

Allele frequency attached by ClinVar (database versions not stated): gnomAD 0.00001; gnomAD exomes 0.00001; TOPMed 0.00001; ExAC 0.00008.
gnomAD v4.1: 16 of 1,561,670 alleles (0.001%); highest among the groups gnomAD compares: East Asian, 0.0023%; no homozygotes.

Submission:

Labcorp Genetics (formerly Invitae), Labcorp
Classification: Uncertain significance for Nemaline myopathy 2. Last evaluated: 2022-05-31. Review status: criteria provided, single submitter. Criteria: Invitae Variant Classification Sherloc (09022015). Collection method: clinical testing. Allele origin: germline.
Comment: This sequence change affects codon 1293 of the NEB mRNA. It is a 'silent' change, meaning that it does not change the encoded amino acid sequence of the NEB protein. It affects a nucleotide within the consensus splice site. The frequency data for this variant in the population databases is considered unreliable, as metrics indicate poor data quality at this position in the gnomAD database. This variant has not been reported in the literature in individuals affected with NEB-related conditions. Algorithms developed to predict the effect of sequence changes on RNA splicing suggest that this variant is not likely to affect RNA splicing. In summary, the available evidence is currently insufficient to determine the role of this variant in disease. Therefore, it has been classified as a Variant of Uncertain Significance.